The following is an entry in ClinVar:

NC_000012.11:g.(?_9009740)_(9013913_?)del

Gene: A2ML1 (alpha-2-macroglobulin like 1; plus strand). Cytogenetic location: 12p13.31.
Variant type: Deletion.
Identifiers: ClinVar variation 3244439 (VCV003244439.1).

ClinVar aggregate classification (germline): Uncertain significance (1 of 4 stars; one submission).

Submission:

Labcorp Genetics (formerly Invitae), Labcorp
Classification: Uncertain significance. Last evaluated: 2023-11-07. Review status: criteria provided, single submitter. Criteria: Invitae Variant Classification Sherloc (09022015). Collection method: clinical testing. Allele origin: unknown.
Comment: This variant is a gross deletion of the genomic region encompassing exon(s) 24-28 of the A2ML1 gene. This variant would be expected to be in-frame, preserving the integrity of the reading frame. This variant has not been reported in the literature in individuals affected with A2ML1-related conditions. Experimental studies and prediction algorithms are not available or were not evaluated, and the functional significance of this variant is currently unknown. In summary, the available evidence is currently insufficient to determine the role of this variant in disease. Therefore, it has been classified as a Variant of Uncertain Significance.